The following is an entry in ClinVar:

NM_001394998.1(TANC2):c.5425T>C (p.Tyr1809His)

Gene: TANC2 (tetratricopeptide repeat, ankyrin repeat and coiled-coil containing 2; plus strand). Cytogenetic location: 17q23.3.
Variant type: single nucleotide variant.
Coding change: c.5425T>C on transcript NM_001394998.1 (MANE Select); coding-DNA position 5425, T replaced by C.
Protein change: p.Tyr1809His; replaces tyrosine 1809 with histidine.
Molecular consequence: missense variant.
Genome position (GRCh38, 1-based): chr17:63,421,155, T>C. VCF-style: chr17-63421155-T-C. GRCh37 (hg19) VCF-style: chr17-61498516-T-C.
Other names: c.5203T>C, p.Tyr1735His (NM_001411076.1); c.5173T>C, p.Tyr1725His (NM_025185.4); short protein forms Y1725H, Y1735H, Y1809H.
Identifiers: ClinVar variation 4681133 (VCV004681133.1).
Genomic context (GRCh38, chr17:63,421,155, plus strand): 5'-TACCGAGGTGGCGTGAGATACAGCCAGACACCACAGATCGGACGCAGCCAGTCAGCATCC[T>C]ATTACCCAGTCTGTCACTCAAAACTAGATCTGGAGCGCTCCTCCAGCCAACTAGGTTCCC-3'
Protein context (NP_001381927.1, residues 1799-1819): PQIGRSQSAS[Tyr1809His]YPVCHSKLDL

ClinVar aggregate classification (germline): Uncertain significance (1 of 4 stars; one submission).

Submission:

GeneDx
Classification: Uncertain significance. Last evaluated: 2025-07-02. Review status: criteria provided, single submitter. Criteria: GeneDx Variant Classification Process June 2021. Collection method: clinical testing. Allele origin: germline. Affected: yes.
Comment: Not observed at significant frequency in large population cohorts (gnomAD); In silico analysis suggests that this missense variant does not alter protein structure/function; Has not been previously published as pathogenic or benign to our knowledge